The following is an entry in ClinVar:

ClinVar aggregate classification (germline): Pathogenic/Likely pathogenic. Review status: criteria provided, multiple submitters, no conflicts (2 of 4 stars). 9 submissions from 9 submitters: Pathogenic (5); Likely pathogenic (2). 2 of the submissions do not count toward it. Last evaluated 2025-07-28.

Conditions:
Early-infantile DEE. Also called: Early infantile epileptic encephalopathy; Early infantile epileptic encephalopathy with suppression bursts; Ohtahara syndrome. Identifiers: Orphanet 1934, MedGen C0393706, MONDO:0800491.
Developmental and epileptic encephalopathy, 7 (DEE7). Also called: KCNQ2-Related Neonatal Epileptic Encephalopathy; KCNQ2-Related Neonatal-Onset Developmental and Epileptic Encephalopathy (NEO-DEE); Early infantile epileptic encephalopathy 7. Identifiers: Orphanet 439218, MedGen C3150986, MONDO:0013387, OMIM 613720.
Seizure. Also called: Seizures. Identifiers: MedGen C0036572, HP:0001250.

Allele frequency attached by ClinVar (database versions not stated): gnomAD exomes below 0.00001.
gnomAD v4.1: 1 of 1,613,852 alleles (0.000062%); highest among the groups gnomAD compares: Non-Finnish European, 0.000085%; no homozygotes.

Submissions (9):

Labcorp Genetics (formerly Invitae), Labcorp
Classification: Pathogenic for Early-infantile DEE. Last evaluated: 2025-07-28. Review status: criteria provided, single submitter. Criteria: Invitae Variant Classification Sherloc (09022015). Collection method: clinical testing. Allele origin: germline.
Comment: This sequence change replaces alanine, which is neutral and non-polar, with threonine, which is neutral and polar, at codon 265 of the KCNQ2 protein (p.Ala265Thr). This variant is present in population databases (rs794727740, gnomAD 0.0009%). This missense change has been observed in individual(s) with early onset epileptic encephalopathy (PMID: 23692823, 27535030, 27602407, 27779742). In at least one individual the variant was observed to be de novo. ClinVar contains an entry for this variant (Variation ID: 197891). Invitae Evidence Modeling of protein sequence and biophysical properties (such as structural, functional, and spatial information, amino acid conservation, physicochemical variation, residue mobility, and thermodynamic stability) indicates that this missense variant is expected to disrupt KCNQ2 protein function with a positive predictive value of 95%. This variant disrupts the p.Ala265 amino acid residue in KCNQ2. Other variant(s) that disrupt this residue have been determined to be pathogenic (PMID: 22275249, 22926866). This suggests that this residue is clinically significant, and that variants that disrupt this residue are likely to be disease-causing. For these reasons, this variant has been classified as Pathogenic.

Victorian Clinical Genetics Services, Murdoch Childrens Research Institute
Classification: Pathogenic for Developmental and epileptic encephalopathy, 7. Last evaluated: 2023-12-21. Review status: criteria provided, single submitter. Criteria: ACMG Guidelines, 2015. Collection method: clinical testing. Allele origin: germline. Inheritance: Autosomal dominant inheritance. Affected: yes.
Comment: Based on the classification scheme VCGS_Germline_v1.3.4, this variant is classified as Pathogenic. Following criteria are met: 0103 - Dominant negative and loss of function are known mechanisms of disease in this gene and are associated with developmental and epileptic encephalopathy 7 (MIM#613720; PMID: 24318194). (I) 0107 - This gene is associated with autosomal dominant disease. (I) 0200 - Variant is predicted to result in a missense amino acid change from alanine to threonine. (I) 0251 - This variant is heterozygous. (I) 0301 - Variant is absent from gnomAD (both v2 and v3). (SP) 0501 - Missense variant consistently predicted to be damaging by multiple in silico tools or highly conserved with a major amino acid change. (SP) 0603 - Missense variant in a region that is highly intolerant to missense variation (high constraint region in DECIPHER). (SP) 0701 - Other missense variants comparable to the one identified in this case have very strong previous evidence for pathogenicity. Two different variants in the same codon resulting in changes to valine and proline have been previously reported as pathogenic in patients with a KCNQ2-related seizure disorder (ClinVar, PMID: 31552204). (SP) 0801 - This variant has strong previous evidence of pathogenicity in unrelated individuals. This variant has been previously reported as pathogenic in patients with a KCNQ2-related seizure disorder (ClinVar, PMID: 29056246, PMID: 27535030). (SP) 1102 - Strong phenotype match for this individual. (SP) Legend: (SP) - Supporting pathogenic, (I) - Information, (SB) - Supporting benign

GeneDx
Classification: Pathogenic. Last evaluated: 2023-03-23. Review status: criteria provided, single submitter. Criteria: GeneDx Variant Classification Process June 2021. Collection method: clinical testing. Allele origin: germline. Affected: yes.
Comment: Missense variants in this gene are often considered pathogenic (HGMD); In silico analysis supports that this missense variant has a deleterious effect on protein structure/function; This variant is associated with the following publications: (PMID: 23692823, 28133863, 28867141, 29056246, 28191890, 24318194, 27779742, 25533962, 28135719, 27535030, 33084218, 31957018, 31785789, 33811133, 31440721, 34992632, 27602407)

Institute of Medical Genetics and Applied Genomics, University Hospital Tübingen
Classification: Pathogenic. Last evaluated: 2020-10-23. Review status: criteria provided, single submitter. Criteria: ACMG Guidelines, 2015. Collection method: clinical testing. Allele origin: germline. Inheritance: Autosomal dominant inheritance. Affected: yes.

CeGaT Center for Human Genetics Tuebingen
Classification: Pathogenic. Last evaluated: 2018-07-01. Review status: criteria provided, single submitter. Criteria: CeGaT Center For Human Genetics Tuebingen Variant Classification Criteria Version 2. Collection method: clinical testing. Allele origin: germline. Affected: yes. Observed: 1 variant allele.

Eurofins Ntd Llc (ga)
Classification: Likely pathogenic. Last evaluated: 2014-10-22. Review status: criteria provided, single submitter. Criteria: EGL Classification Definitions 2015. Collection method: clinical testing. Allele origin: germline. Observed: 1 variant allele, 1 heterozygote.

Genetic Services Laboratory, University of Chicago
Classification: Likely pathogenic for Seizures. Last evaluated: 2014-06-03. Review status: criteria provided, single submitter. Criteria: ACMG Guidelines, 2015. Collection method: clinical testing. Allele origin: germline. Affected: yes.

GeneReviews
No classification provided. Condition: Developmental and epileptic encephalopathy, 7. Review status: no classification provided. Collection method: literature only. Allele origin: germline. Affected: yes. Not counted in ClinVar's aggregate classification.
Comment: EE (epileptic encephalopathy)

NeuroMeGen, Hospital Clinico Santiago de Compostela
Classification: Pathogenic for Developmental and epileptic encephalopathy, 7. Review status: no assertion criteria provided. Criteria: ACMG Guidelines, 2015. Collection method: clinical testing. Allele origin: de novo. Affected: yes. Not counted in ClinVar's aggregate classification.

Literature cited by the submitters: PubMed 23692823 (cited by 3 submitters); PubMed 27535030 (cited by Labcorp Genetics (formerly Invitae), Labcorp and Victorian Clinical Genetics Services, Murdoch Childrens Research Institute); PubMed 27602407 (cited by Labcorp Genetics (formerly Invitae), Labcorp); PubMed 27779742 (cited by Labcorp Genetics (formerly Invitae), Labcorp); PubMed 22275249 (cited by Labcorp Genetics (formerly Invitae), Labcorp); PubMed 22926866 (cited by Labcorp Genetics (formerly Invitae), Labcorp); PubMed 24318194 (cited by Victorian Clinical Genetics Services, Murdoch Childrens Research Institute); PubMed 29056246 (cited by Victorian Clinical Genetics Services, Murdoch Childrens Research Institute); PubMed 31552204 (cited by Victorian Clinical Genetics Services, Murdoch Childrens Research Institute); PubMed 24107868 (cited by Eurofins Ntd Llc (ga) and GeneReviews); NCBI Bookshelf NBK32534 (cited by GeneReviews).

NM_172107.4(KCNQ2):c.793G>A (p.Ala265Thr)

Gene: KCNQ2 (potassium voltage-gated channel subfamily Q member 2; minus strand). Cytogenetic location: 20q13.33.
Variant type: single nucleotide variant.
Coding change: c.793G>A on transcript NM_172107.4 (MANE Select); coding-DNA position 793, G replaced by A.
Protein change: p.Ala265Thr; replaces alanine 265 with threonine.
Molecular consequence: missense variant.
Genome position (GRCh38, 1-based): chr20:63,442,429, C>T on the plus strand (G>A on the coding strand, the complement: KCNQ2 is on the minus strand). VCF-style: chr20-63442429-C-T. GRCh37 (hg19) VCF-style: chr20-62073782-C-T.
Other names: p.A265T:GCG>ACG; c.793G>A, p.Ala265Thr (NM_004518.6, NM_172106.3, NM_172108.5 and 1 more transcripts); c.793G>A (NM_172107.3); short protein forms A265T.
Identifiers: ClinVar variation 197891 (VCV000197891.62), dbSNP rs794727740, ClinGen allele CA278513.
Genomic context (GRCh38, chr20:63,442,429, plus strand): 5'-AGCAGGGAAAGGGAAAACCACAATGACCACAACTCACCAGGCCCCACCAGAGTGCATCCG[C>T]GTAGGTGTCAAAGTGGTCGTTCTCCCCCTTCTCTGCCAAGTACACCAGGAACGAGGCCAG-3'
Protein context (NP_742105.1, residues 255-275): KGENDHFDTY[Ala265Thr]DALWWGLITL